The following is an entry in ClinVar:

NM_145207.3(AFG2A):c.2284C>G (p.Gln762Glu)

Gene: AFG2A (AFG2 AAA ATPase homolog A; plus strand). Cytogenetic location: 4q28.1.
Variant type: single nucleotide variant.
Coding change: c.2284C>G on transcript NM_145207.3 (MANE Select); coding-DNA position 2284, C replaced by G.
Protein change: p.Gln762Glu; replaces glutamine 762 with glutamic acid.
Molecular consequence: missense variant.
Genome position (GRCh38, 1-based): chr4:123,090,649, C>G. VCF-style: chr4-123090649-C-G. GRCh37 (hg19) VCF-style: chr4-124011804-C-G.
Other names: c.2281C>G, p.Gln761Glu (NM_001345856.2); short protein forms Q761E, Q762E.
Identifiers: ClinVar variation 654908 (VCV000654908.1), dbSNP rs1207469751, ClinGen allele CA358230366.
Genomic context (GRCh38, chr4:123,090,649, plus strand): 5'-GCTGGGAATGTAGCCGATCGTGTTTTGGCTCAGCTCTTAACAGAAATGGATGGGATTGAA[C>G]AGCTAAAGGATGTGACCATTTTGGCAGCTACTAACCGTCCAGATAGGATAGACAAGGTAA-3'
Protein context (NP_660208.2, residues 752-772): QLLTEMDGIE[Gln762Glu]LKDVTILAAT

ClinVar aggregate classification (germline): Uncertain significance (1 of 4 stars; one submission).

Conditions:
Microcephaly-intellectual disability-sensorineural hearing loss-epilepsy-abnormal muscle tone syndrome (NEDHSB). Also called: NEURODEVELOPMENTAL DISORDER WITH HEARING LOSS, SEIZURES, AND BRAIN ABNORMALITIES. Identifiers: Orphanet 457351, MedGen C4225276, MONDO:0014698, OMIM 616577.

Allele frequency attached by ClinVar (database versions not stated): gnomAD exomes below 0.00001; TOPMed 0.00001.
gnomAD v4.1: 4 of 1,614,090 alleles (0.00025%); highest among the groups gnomAD compares: Admixed American, 0.0017%; no homozygotes.

Submission:

Labcorp Genetics (formerly Invitae), Labcorp
Classification: Uncertain significance for Epilepsy, hearing loss, and mental retardation syndrome. Last evaluated: 2018-11-26. Review status: criteria provided, single submitter. Criteria: Invitae Variant Classification Sherloc (09022015). Collection method: clinical testing. Allele origin: germline.
Comment: This sequence change replaces glutamine with glutamic acid at codon 762 of the SPATA5 protein (p.Gln762Glu). The glutamine residue is highly conserved and there is a small physicochemical difference between glutamine and glutamic acid. This variant is not present in population databases (ExAC no frequency). This variant has not been reported in the literature in individuals with SPATA5-related disease. Algorithms developed to predict the effect of missense changes on protein structure and function are either unavailable or do not agree on the potential impact of this missense change (SIFT: "Deleterious"; PolyPhen-2: "Probably Damaging"; Align-GVGD: "Class C0"). In summary, the available evidence is currently insufficient to determine the role of this variant in disease. Therefore, it has been classified as a Variant of Uncertain Significance.